The following is an entry in ClinVar:

NM_018943.3(TUBA8):c.419G>A (p.Ser140Asn)

Gene: TUBA8 (tubulin alpha 8; plus strand). Cytogenetic location: 22q11.21.
Variant type: single nucleotide variant.
Coding change: c.419G>A on transcript NM_018943.3 (MANE Select); coding-DNA position 419, G replaced by A.
Protein change: p.Ser140Asn; replaces serine 140 with asparagine.
Molecular consequence: missense variant.
Genome position (GRCh38, 1-based): chr22:18,126,397, G>A. VCF-style: chr22-18126397-G-A. GRCh37 (hg19) VCF-style: chr22-18609164-G-A.
Other names: c.221G>A, p.Ser74Asn (NM_001193414.2); short protein forms S140N, S74N.
Identifiers: ClinVar variation 4990229 (VCV004990229.1).
Genomic context (GRCh38, chr22:18,126,397, plus strand): 5'-TGTCCTGCTCTCCCTAGACAGATGCTTGCTCTGGCCTGCAGGGCTTCCTGATTTTCCACA[G>A]TTTTGGTGGGGGCACTGGCTCCGGCTTCACTTCTCTGCTGATGGAACGCCTCTCCCTGGA-3'
Protein context (NP_061816.1, residues 130-150): SGLQGFLIFH[Ser140Asn]FGGGTGSGFT

ClinVar aggregate classification (germline): Uncertain significance (1 of 4 stars; one submission).

Conditions:
TUBA8-related disorder. Also called: TUBA8-related condition.

Submission:

PreventionGenetics, part of Exact Sciences
Classification: Uncertain significance for TUBA8-related condition. Last evaluated: 2026-04-06. Review status: criteria provided, single submitter. Criteria: ACMG Guidelines, 2015. Collection method: clinical testing. Allele origin: germline.
Comment: The TUBA8 c.419G>A variant is predicted to result in the amino acid substitution p.Ser140Asn. To our knowledge, this variant has not been reported in the literature or in a large population database (gnomAD), indicating this variant is rare. At this time, the clinical significance of this variant is uncertain due to the absence of conclusive functional and genetic evidence.